The following is an entry in ClinVar:

ClinVar aggregate classification (germline): Conflicting classifications of pathogenicity. Review status: criteria provided, conflicting classifications (1 of 4 stars). 16 submissions from 12 submitters: Uncertain significance (3); Benign (6); Likely benign (7). Last evaluated 2026-09-01.

Conditions:
Cardiovascular phenotype. Identifiers: MedGen CN230736.
Dilated cardiomyopathy 1G (CMD1G). Identifiers: Orphanet 154, MedGen C1858763, MONDO:0011400, OMIM 604145.
Autosomal recessive limb-girdle muscular dystrophy type 2J (LGMDR10). Also called: MUSCULAR DYSTROPHY, LIMB-GIRDLE, AUTOSOMAL RECESSIVE 10; Limb-girdle muscular dystrophy, type 2J. Identifiers: Orphanet 140922, MedGen C1837342, MONDO:0012127, OMIM 608807.
Early-onset myopathy with fatal cardiomyopathy (CMYO5). Also called: CONGENITAL MYOPATHY 5 WITH CARDIOMYOPATHY; Salih Myopathy. Identifiers: Orphanet 289377, MedGen C2673677, MONDO:0012714, OMIM 611705. Disease mechanism: loss of function.
Myopathy, myofibrillar, 9, with early respiratory failure (MFM9). Also called: Hereditary myopathy with early respiratory failure; EDSTROM MYOPATHY; Myopathy, distal, with early respiratory failure, autosomal dominant; MYOPATHY, PROXIMAL, WITH EARLY RESPIRATORY MUSCLE INVOLVEMENT. Identifiers: Orphanet 178464, Orphanet 34521, MedGen C1863599, MONDO:0011362, OMIM 603689.
Tibial muscular dystrophy (TMD). Also called: Udd Distal Myopathy – Tibial Muscular Dystrophy; Tibial muscular dystrophy, tardive; UDD MYOPATHY. Identifiers: Orphanet 609, MedGen C1838244, MONDO:0010870, OMIM 600334.

Allele frequency attached by ClinVar (database versions not stated): ESP Exome Variant Server 0.00058; gnomAD exomes 0.00087 and 0.00058; gnomAD 0.00101 and 0.00106; 1000 Genomes Project 30x 0.00125; ExAC 0.00063; TOPMed 0.00126; 1000 Genomes Project 0.00160.
gnomAD v4.1: 1,007 of 1,613,386 alleles (0.062%); highest among the groups gnomAD compares: Admixed American, 0.51%; 3 homozygotes.

Submissions (16):

CeGaT Center for Human Genetics Tuebingen
Classification: Likely benign. Last evaluated: 2026-09-01. Review status: criteria provided, single submitter. Criteria: CeGaT Center For Human Genetics Tuebingen Variant Classification Criteria Version 2. Collection method: clinical testing. Allele origin: germline. Affected: yes. Observed: 14 variant alleles.
Comment: TTN: BP4, BP7

Labcorp Genetics (formerly Invitae), Labcorp
Classification: Benign for Dilated cardiomyopathy 1G; Autosomal recessive limb-girdle muscular dystrophy type 2J. Last evaluated: 2026-02-02. Review status: criteria provided, single submitter. Criteria: Invitae Variant Classification Sherloc (09022015). Collection method: clinical testing. Allele origin: germline.

ARUP Laboratories, Molecular Genetics and Genomics, ARUP Laboratories
Classification: Likely benign. Last evaluated: 2025-07-28. Review status: criteria provided, single submitter. Criteria: ARUP Molecular Germline Variant Investigation Process 2024. Collection method: clinical testing. Allele origin: germline.

Blueprint Genetics
Classification: Likely benign. Last evaluated: 2024-11-07. Review status: criteria provided, single submitter. Criteria: ACMG Guidelines, 2015. Collection method: clinical testing. Allele origin: germline.

Women's Health and Genetics/Laboratory Corporation of America, LabCorp
Classification: Benign. Last evaluated: 2019-12-14. Review status: criteria provided, single submitter. Criteria: LabCorp Variant Classification Summary - May 2015. Collection method: clinical testing. Allele origin: germline.

Illumina Laboratory Services, Illumina
Classification: Uncertain significance for Autosomal recessive limb-girdle muscular dystrophy type 2J. Last evaluated: 2018-01-13. Review status: criteria provided, single submitter. Criteria: ICSL Variant Classification Criteria 13 December 2019. Collection method: clinical testing. Allele origin: germline.

Illumina Laboratory Services, Illumina
Classification: Uncertain significance for Early-onset myopathy with fatal cardiomyopathy. Last evaluated: 2018-01-13. Review status: criteria provided, single submitter. Criteria: ICSL Variant Classification Criteria 13 December 2019. Collection method: clinical testing. Allele origin: germline.

Illumina Laboratory Services, Illumina
Classification: Benign for Myopathy, myofibrillar, 9, with early respiratory failure. Last evaluated: 2018-01-13. Review status: criteria provided, single submitter. Criteria: ICSL Variant Classification Criteria 13 December 2019. Collection method: clinical testing. Allele origin: germline.
Comment: This variant was observed in the ICSL laboratory as part of a predisposition screen in an ostensibly healthy population. It had not been previously curated by ICSL or reported in the Human Gene Mutation Database (HGMD: prior to June 1st, 2018), and was therefore a candidate for classification through an automated scoring system. Utilizing variant allele frequency, disease prevalence and penetrance estimates, and inheritance mode, an automated score was calculated to assess if this variant is too frequent to cause the disease. Based on the score and internal cut-off values, a variant classified as benign is not then subjected to further curation. The score for this variant resulted in a classification of benign for this disease.

Illumina Laboratory Services, Illumina
Classification: Benign for Tibial muscular dystrophy. Last evaluated: 2018-01-13. Review status: criteria provided, single submitter. Criteria: ICSL Variant Classification Criteria 13 December 2019. Collection method: clinical testing. Allele origin: germline.
Comment: the same text as in the submission from Illumina Laboratory Services, Illumina above.

Illumina Laboratory Services, Illumina
Classification: Uncertain significance for Dilated cardiomyopathy 1G. Last evaluated: 2018-01-13. Review status: criteria provided, single submitter. Criteria: ICSL Variant Classification Criteria 13 December 2019. Collection method: clinical testing. Allele origin: germline.

Athena Diagnostics
Classification: Benign. Last evaluated: 2016-10-10. Review status: criteria provided, single submitter. Criteria: Athena Diagnostics Criteria. Collection method: clinical testing. Allele origin: germline.

Eurofins Ntd Llc (ga)
Classification: Likely benign. Last evaluated: 2015-08-21. Review status: criteria provided, single submitter. Criteria: EGL Classification Definitions 2015. Collection method: clinical testing. Allele origin: germline. Observed: 1 variant allele, 1 heterozygote.

GeneDx
Classification: Benign. Last evaluated: 2014-08-22. Review status: criteria provided, single submitter. Criteria: GeneDx Variant Classification (06012015). Collection method: clinical testing. Allele origin: germline. Affected: yes.
Comment: This variant is considered likely benign or benign based on one or more of the following criteria: it is a conservative change, it occurs at a poorly conserved position in the protein, it is predicted to be benign by multiple in silico algorithms, and/or has population frequency not consistent with disease.

Ambry Genetics
Classification: Likely benign for Cardiovascular phenotype. Last evaluated: 2013-09-13. Review status: criteria provided, single submitter. Criteria: Ambry Autosomal Dominant and X-Linked criteria (10/2015). Collection method: clinical testing. Allele origin: germline. Observed: 1 variant allele.

Laboratory for Molecular Medicine, Mass General Brigham Personalized Medicine
Classification: Likely benign. Last evaluated: 2012-03-19. Review status: criteria provided, single submitter. Criteria: LMM Criteria. Collection method: clinical testing. Allele origin: germline. Observed: 3 variant alleles.
Comment: p.Ala11418Ala in Exon 177 of TTN: This variant is not expected to have clinical significance because it does not alter an amino acid residue, is not located wit hin the splice consensus sequence. It has been identified in 0.1% (2/3062) of Af rican American chromosomes from a broad population by the NHLBI Exome Sequencing Project.

Molecular Diagnostic Laboratory for Inherited Cardiovascular Disease, Montreal Heart Institute
Classification: Likely benign. Review status: criteria provided, single submitter. Criteria: ACMG Guidelines, 2015. Collection method: clinical testing. Allele origin: germline. Affected: yes.

NM_001267550.2(TTN):c.41958A>G (p.Ala13986=)

Gene: TTN (titin; minus strand). Cytogenetic location: 2q31.2.
Variant type: single nucleotide variant.
Coding change: c.41958A>G on transcript NM_001267550.2 (MANE Select); coding-DNA position 41958, A replaced by G.
Protein change: p.Ala13986=; no amino-acid change (alanine 13986 retained).
Molecular consequence: synonymous variant.
Genome position (GRCh38, 1-based): chr2:178,635,231, T>C on the plus strand (A>G on the coding strand, the complement: TTN is on the minus strand). VCF-style: chr2-178635231-T-C. GRCh37 (hg19) VCF-style: chr2-179499958-T-C.
Other names: p.A12345A:GCA>GCG; c.37035A>G, p.Ala12345= (NM_001256850.1); c.14763A>G, p.Ala4921= (NM_003319.4); c.34254A>G, p.Ala11418= (NM_133378.4); c.15138A>G, p.Ala5046= (NM_133432.3); c.15339A>G, p.Ala5113= (NM_133437.4).
Identifiers: ClinVar variation 178219 (VCV000178219.48), dbSNP rs186699871, ClinGen allele CA295755.